The following is an entry in ClinVar:

ClinVar aggregate classification (germline): Uncertain significance (1 of 4 stars; one submission).

Submission:

GeneDx
Classification: Uncertain significance. Last evaluated: 2025-01-02. Review status: criteria provided, single submitter. Criteria: GeneDx Variant Classification Process June 2021. Collection method: clinical testing. Allele origin: germline. Affected: yes.
Comment: Not observed at significant frequency in large population cohorts (gnomAD); Has not been previously published as pathogenic or benign to our knowledge; In silico analysis is inconclusive as to whether the variant alters gene splicing. In the absence of RNA/functional studies, the actual effect of this sequence change is unknown.

NM_002471.4(MYH6):c.4525+5G>T

Gene: MYH6 (myosin heavy chain 6; minus strand). Cytogenetic location: 14q11.2.
Variant type: single nucleotide variant.
Coding change: c.4525+5G>T on transcript NM_002471.4 (MANE Select); 5 bases into the intron after coding-DNA position 4525, G replaced by T.
Molecular consequence: intron variant.
Genome position (GRCh38, 1-based): chr14:23,387,753, C>A on the plus strand (G>T on the coding strand, the complement: MYH6 is on the minus strand). VCF-style: chr14-23387753-C-A. GRCh37 (hg19) VCF-style: chr14-23856962-C-A.
Identifiers: ClinVar variation 4055869 (VCV004055869.1).